The following is an entry in ClinVar:

NM_000051.4(ATM):c.5771C>A (p.Ser1924Ter)

Genes: ATM (ATM serine/threonine kinase; plus strand), C11orf65 (chromosome 11 open reading frame 65; minus strand). Cytogenetic location: 11q22.3.
Variant type: single nucleotide variant.
Coding change: c.5771C>A on transcript NM_000051.4 (MANE Select); coding-DNA position 5771, C replaced by A.
Protein change: p.Ser1924Ter; replaces serine 1924 with a stop codon.
Molecular consequence: nonsense. On other transcripts: intron variant (2).
Genome position (GRCh38, 1-based): chr11:108,310,168, C>A. VCF-style: chr11-108310168-C-A. GRCh37 (hg19) VCF-style: chr11-108180895-C-A.
Other names: c.5771C>A, p.Ser1924Ter (NM_001351834.2); c.641-1097G>T (NM_001330368.2); c.*39-1097G>T (NM_001351110.2); short protein forms S1924*.
Identifiers: ClinVar variation 429078 (VCV000429078.15), dbSNP rs876658831, ClinGen allele CA382548290.
Genomic context (GRCh38, chr11:108,310,168, plus strand): 5'-TTGATATTGAAGTTTAAAAAAGTGAATGACATTATATCTCATTTTTCTTTAGACCTTCTT[C>A]AGGAACAATTTTTAATGATGCTTTCTGGCTGGATTTAAATTATCTAGAAGTTGCCAAGGT-3'

ClinVar aggregate classification (germline): Pathogenic. Review status: criteria provided, multiple submitters, no conflicts (2 of 4 stars). 5 submissions from 5 submitters: Pathogenic (5). Last evaluated 2024-11-04.

Conditions:
Hereditary cancer-predisposing syndrome. Also called: Neoplastic Syndromes, Hereditary; Hereditary Cancer Syndrome; Tumor predisposition; Hereditary neoplastic syndrome. Identifiers: Orphanet 140162, MedGen C0027672, MeSH D009386, MONDO:0015356.
Ataxia-telangiectasia syndrome (AT). Also called: LOUIS-BAR SYNDROME; Cerebello-oculocutaneous telangiectasia; Immunodeficiency with ataxia telangiectasia; Ataxia-telangiectasia, complementation group D; AT, COMPLEMENTATION GROUP C; Ataxia-telangiectasia, complementation group E. Identifiers: Orphanet 100, MedGen C0004135, MONDO:0008840, OMIM 208900.
Familial cancer of breast. Also called: Hereditary breast cancer; BREAST CANCER, FAMILIAL; hereditary breast carcinoma. Identifiers: Orphanet 227535, MedGen C0346153, MONDO:0016419, OMIM 114480. Disease mechanism: loss of function.

gnomAD v4.1: 2 of 1,613,236 alleles (0.00012%); highest among the groups gnomAD compares: Non-Finnish European, 0.00017%; no homozygotes.

Submissions (5):

Labcorp Genetics (formerly Invitae), Labcorp
Classification: Pathogenic for Ataxia-telangiectasia syndrome. Last evaluated: 2024-11-04. Review status: criteria provided, single submitter. Criteria: Invitae Variant Classification Sherloc (09022015). Collection method: clinical testing. Allele origin: germline.
Comment: This sequence change creates a premature translational stop signal (p.Ser1924*) in the ATM gene. It is expected to result in an absent or disrupted protein product. Loss-of-function variants in ATM are known to be pathogenic (PMID: 23807571, 25614872). This variant is not present in population databases (gnomAD no frequency). This premature translational stop signal has been observed in individual(s) with ataxia-telangiectasia (PMID: 10817650). ClinVar contains an entry for this variant (Variation ID: 429078). RNA analysis performed to evaluate the impact of this premature translational stop signal on mRNA splicing indicates it does not significantly alter splicing (internal data). For these reasons, this variant has been classified as Pathogenic.

Myriad Genetics, Inc.
Classification: Pathogenic for Familial cancer of breast. Last evaluated: 2024-01-26. Review status: criteria provided, single submitter. Criteria: Myriad Autosomal Dominant, Autosomal Recessive and X-Linked Classification Criteria (2023). Collection method: clinical testing. Allele origin: unknown.
Comment: This variant is considered pathogenic. This variant creates a termination codon and is predicted to result in premature protein truncation.

GeneDx
Classification: Pathogenic. Last evaluated: 2023-12-30. Review status: criteria provided, single submitter. Criteria: GeneDx Variant Classification Process June 2021. Collection method: clinical testing. Allele origin: germline. Affected: yes.
Comment: Nonsense variant predicted to result in protein truncation or nonsense mediated decay in a gene for which loss of function is a known mechanism of disease; Reported in individuals with ataxia-telangiectasia (PMID: 10817650); Not observed at significant frequency in large population cohorts (gnomAD); Truncating variants in this gene are considered pathogenic by a well-established clinical consortium and/or database; This variant is associated with the following publications: (PMID: 25525159, 25614872, 23807571, 33804961, 10817650)

Baylor Genetics
Classification: Pathogenic for Familial cancer of breast. Last evaluated: 2023-08-09. Review status: criteria provided, single submitter. Criteria: ACMG Guidelines, 2015. Collection method: clinical testing. Allele origin: unknown.

Ambry Genetics
Classification: Pathogenic for Hereditary cancer-predisposing syndrome. Last evaluated: 2022-04-19. Review status: criteria provided, single submitter. Criteria: Ambry Variant Classification Scheme 2023. Collection method: clinical testing. Allele origin: germline.
Comment: The p.S1924* pathogenic mutation (also known as c.5771C>A), located in coding exon 38 of the ATM gene, results from a C to A substitution at nucleotide position 5771. This changes the amino acid from a serine to a stop codon within coding exon 38. In one study, this alteration was identified in 1 out of 134 ataxia telangiectasia (A-T) families (Li A et al, Am. J. Med. Genet. 2000 May; 92(3):170-7). This alteration is also predicted to induce a large splicing change (Xiong HY et al, Science 2015 Jan; 347(6218):1254806). This variant is considered to be rare based on population cohorts in the Genome Aggregation Database (gnomAD). In addition to the clinical data presented in the literature, this alteration is expected to result in loss of function by premature protein truncation or nonsense-mediated mRNA decay. As such, this alteration is interpreted as a disease-causing mutation.

Literature cited by the submitters: PubMed 23807571 (cited by Labcorp Genetics (formerly Invitae), Labcorp); PubMed 25614872 (cited by Labcorp Genetics (formerly Invitae), Labcorp); PubMed 10817650 (cited by Labcorp Genetics (formerly Invitae), Labcorp and Ambry Genetics); PubMed 25525159 (cited by Ambry Genetics).